The following is an entry in ClinVar:

ClinVar aggregate classification (germline): Uncertain significance (1 of 4 stars; one submission).

Conditions:
Bethlem myopathy 1A. Also called: MYOPATHY, BENIGN CONGENITAL, WITH CONTRACTURES; Bethlem myopathy 1; Bethlem Muscular Dystrophy. Identifiers: Orphanet 610, MedGen CN029274, MONDO:0024530, OMIM 158810.

gnomAD v4.1: 2 of 1,613,644 alleles (0.00012%); highest among the groups gnomAD compares: Non-Finnish European, 0.00017%; no homozygotes.

Submission:

Labcorp Genetics (formerly Invitae), Labcorp
Classification: Uncertain significance for Bethlem myopathy 1A. Last evaluated: 2024-09-27. Review status: criteria provided, single submitter. Criteria: Invitae Variant Classification Sherloc (09022015). Collection method: clinical testing. Allele origin: germline.
Comment: This sequence change replaces alanine, which is neutral and non-polar, with glycine, which is neutral and non-polar, at codon 2233 of the COL6A3 protein (p.Ala2233Gly). This variant is present in population databases (no rsID available, gnomAD 0.0009%). This variant has not been reported in the literature in individuals affected with COL6A3-related conditions. Invitae Evidence Modeling of protein sequence and biophysical properties (such as structural, functional, and spatial information, amino acid conservation, physicochemical variation, residue mobility, and thermodynamic stability) indicates that this missense variant is not expected to disrupt COL6A3 protein function with a negative predictive value of 80%. In summary, the available evidence is currently insufficient to determine the role of this variant in disease. Therefore, it has been classified as a Variant of Uncertain Significance.

NM_004369.4(COL6A3):c.6698C>G (p.Ala2233Gly)

Gene: COL6A3 (collagen type VI alpha 3 chain; minus strand). Cytogenetic location: 2q37.3.
Variant type: single nucleotide variant.
Coding change: c.6698C>G on transcript NM_004369.4 (MANE Select); coding-DNA position 6698, C replaced by G.
Protein change: p.Ala2233Gly; replaces alanine 2233 with glycine.
Molecular consequence: missense variant.
Genome position (GRCh38, 1-based): chr2:237,352,577, G>C on the plus strand (C>G on the coding strand, the complement: COL6A3 is on the minus strand). VCF-style: chr2-237352577-G-C. GRCh37 (hg19) VCF-style: chr2-238261220-G-C.
Other names: c.4877C>G, p.Ala1626Gly (NM_057166.5); c.6080C>G, p.Ala2027Gly (NM_057167.4); short protein forms A2027G, A1626G, A2233G.
Identifiers: ClinVar variation 3671531 (VCV003671531.2).